The following is an entry in ClinVar:

NM_001366145.2(TRPM3):c.2702A>G (p.Tyr901Cys)

Gene: TRPM3 (transient receptor potential cation channel subfamily M member 3; minus strand). Cytogenetic location: 9q21.12.
Variant type: single nucleotide variant.
Coding change: c.2702A>G on transcript NM_001366145.2 (MANE Select); coding-DNA position 2702, A replaced by G.
Protein change: p.Tyr901Cys; replaces tyrosine 901 with cysteine.
Molecular consequence: missense variant.
Genome position (GRCh38, 1-based): chr9:70,603,436, T>C on the plus strand (A>G on the coding strand, the complement: TRPM3 is on the minus strand). VCF-style: chr9-70603436-T-C. GRCh37 (hg19) VCF-style: chr9-73218352-T-C.
Other names: c.2666A>G, p.Tyr889Cys (NM_001007471.4, NM_001366151.2); c.2672A>G, p.Tyr891Cys (NM_001366141.2, NM_001366143.2, NM_001366149.2); c.2708A>G, p.Tyr903Cys (NM_001366142.2); c.2702A>G, p.Tyr901Cys (NM_001366146.2); c.2777A>G, p.Tyr926Cys (NM_001366147.2, NM_001366152.2); c.2747A>G, p.Tyr916Cys (NM_001366148.2); c.2636A>G, p.Tyr879Cys (NM_001366150.2); c.2243A>G, p.Tyr748Cys (NM_001366154.2, NM_024971.7); and 5 more; short protein forms Y726C, Y736C, Y738C, Y748C, Y751C, Y761C, Y879C, Y889C.
Identifiers: ClinVar variation 1800941 (VCV001800941.2), dbSNP rs1234791762, ClinGen allele CA373555608.

ClinVar aggregate classification (germline): Uncertain significance (1 of 4 stars; one submission).

Allele frequency attached by ClinVar (database versions not stated): gnomAD exomes below 0.00001; TOPMed below 0.00001.
gnomAD v4.1: 1 of 1,614,062 alleles (0.000062%); highest among the groups gnomAD compares: Non-Finnish European, 0.000085%; no homozygotes.

Submission:

GeneDx
Classification: Uncertain significance. Last evaluated: 2025-05-13. Review status: criteria provided, single submitter. Criteria: GeneDx Variant Classification Process June 2021. Collection method: clinical testing. Allele origin: germline.
Comment: Not observed at significant frequency in large population cohorts (gnomAD); In silico analysis supports that this missense variant has a deleterious effect on protein structure/function; Has not been previously published as pathogenic or benign to our knowledge